The following is an entry in ClinVar:

ClinVar aggregate classification (germline): Uncertain significance. Review status: criteria provided, multiple submitters, no conflicts (2 of 4 stars). 3 submissions from 3 submitters: Uncertain significance (3). Last evaluated 2024-01-11.

Conditions:
Progressive sclerosing poliodystrophy (MTDPS4A). Also called: Alpers-Huttenlocher Syndrome (AHS); ALPERS PROGRESSIVE INFANTILE POLIODYSTROPHY; Mitochondrial DNA Depletion Syndrome 4A; Mitochondrial DNA depletion syndrome 4A (Alpers type); NEURONAL DEGENERATION OF CHILDHOOD WITH LIVER DISEASE, PROGRESSIVE; Alpers Syndrome. Identifiers: Orphanet 726, MedGen C0205710, MONDO:0008758, OMIM 203700.

gnomAD v4.1: 8 of 1,604,380 alleles (0.0005%); highest among the groups gnomAD compares: Non-Finnish European, 0.000085%; no homozygotes.

Submissions (3):

GeneDx
Classification: Uncertain significance. Last evaluated: 2024-01-11. Review status: criteria provided, single submitter. Criteria: GeneDx Variant Classification Process June 2021. Collection method: clinical testing. Allele origin: germline. Affected: yes.
Comment: In silico analysis supports that this missense variant does not alter protein structure/function; This variant is associated with the following publications: (PMID: 25660390)

Labcorp Genetics (formerly Invitae), Labcorp
Classification: Uncertain significance for Progressive sclerosing poliodystrophy. Last evaluated: 2022-08-21. Review status: criteria provided, single submitter. Criteria: Invitae Variant Classification Sherloc (09022015). Collection method: clinical testing. Allele origin: germline.
Comment: This missense change has been observed in individual(s) with clinical features of autosomal recessive POLG-related conditions (PMID: 25660390). In at least one individual the data is consistent with being in trans (on the opposite chromosome) from a pathogenic variant. It has also been observed to segregate with disease in related individuals. This sequence change replaces proline, which is neutral and non-polar, with glutamine, which is neutral and polar, at codon 116 of the POLG protein (p.Pro116Gln). This variant is present in population databases (no rsID available, gnomAD 0.02%). ClinVar contains an entry for this variant (Variation ID: 499471). Algorithms developed to predict the effect of missense changes on protein structure and function (SIFT, PolyPhen-2, Align-GVGD) all suggest that this variant is likely to be tolerated. In summary, the available evidence is currently insufficient to determine the role of this variant in disease. Therefore, it has been classified as a Variant of Uncertain Significance.

Eurofins Ntd Llc (ga)
Classification: Uncertain significance. Last evaluated: 2016-12-28. Review status: criteria provided, single submitter. Criteria: EGL Classification Definitions 2015. Collection method: clinical testing. Allele origin: germline. Observed: 1 variant allele, 1 heterozygote.

Literature cited by the submitters: PubMed 25660390 (cited by Labcorp Genetics (formerly Invitae), Labcorp).

NM_002693.3(POLG):c.347C>A (p.Pro116Gln)

Genes: POLG (DNA polymerase gamma, catalytic subunit; minus strand), POLGARF (POLG alternative reading frame; minus strand). Cytogenetic location: 15q26.1.
Variant type: single nucleotide variant.
Coding change: c.347C>A on transcript NM_002693.3 (MANE Select); coding-DNA position 347, C replaced by A.
Protein change: p.Pro116Gln; replaces proline 116 with glutamine.
Molecular consequence: missense variant.
Genome position (GRCh38, 1-based): chr15:89,333,408, G>T on the plus strand (C>A on the coding strand, the complement: POLG is on the minus strand). VCF-style: chr15-89333408-G-T. GRCh37 (hg19) VCF-style: chr15-89876639-G-T.
Other names: c.347C>A (NM_002693.2); c.347C>A, p.Pro116Gln (NM_001126131.2); short protein forms P116Q.
Identifiers: ClinVar variation 499471 (VCV000499471.11), dbSNP rs747828222, ClinGen allele CA393772461.